The following is an entry in ClinVar:

NM_006086.4(TUBB3):c.638G>A (p.Arg213His)

Gene: TUBB3 (tubulin beta 3 class III; plus strand). Cytogenetic location: 16q24.3.
Variant type: single nucleotide variant.
Coding change: c.638G>A on transcript NM_006086.4 (MANE Select); coding-DNA position 638, G replaced by A.
Protein change: p.Arg213His; replaces arginine 213 with histidine.
Molecular consequence: missense variant.
Genome position (GRCh38, 1-based): chr16:89,935,089, G>A. VCF-style: chr16-89935089-G-A. GRCh37 (hg19) VCF-style: chr16-90001497-G-A.
Other names: c.422G>A, p.Arg141His (NM_001197181.2); short protein forms R141H, R213H.
Identifiers: ClinVar variation 2505637 (VCV002505637.4), dbSNP rs777490310, ClinGen allele CA8256142.

ClinVar aggregate classification (germline): Uncertain significance. Review status: criteria provided, multiple submitters, no conflicts (2 of 4 stars). 2 submissions from 2 submitters: Uncertain significance (2). Last evaluated 2024-11-15.

Allele frequency attached by ClinVar (database versions not stated): ExAC 0.00001.

Submissions (2):

GeneDx
Classification: Uncertain significance. Last evaluated: 2024-11-15. Review status: criteria provided, single submitter. Criteria: GeneDx Variant Classification Process June 2021. Collection method: clinical testing. Allele origin: germline. Affected: yes.
Comment: Not observed at significant frequency in large population cohorts (gnomAD); Missense variants in this gene are a common cause of disease and they are underrepresented in the general population; In silico analysis supports that this missense variant has a deleterious effect on protein structure/function; Has not been previously published as pathogenic or benign to our knowledge; This variant is associated with the following publications: (PMID: 20829227)

Labcorp Genetics (formerly Invitae), Labcorp
Classification: Uncertain significance. Last evaluated: 2024-01-26. Review status: criteria provided, single submitter. Criteria: Invitae Variant Classification Sherloc (09022015). Collection method: clinical testing. Allele origin: germline.
Comment: This sequence change replaces arginine, which is basic and polar, with histidine, which is basic and polar, at codon 213 of the TUBB3 protein (p.Arg213His). This variant is not present in population databases (gnomAD no frequency). This variant has not been reported in the literature in individuals affected with TUBB3-related conditions. ClinVar contains an entry for this variant (Variation ID: 2505637). Advanced modeling of protein sequence and biophysical properties (such as structural, functional, and spatial information, amino acid conservation, physicochemical variation, residue mobility, and thermodynamic stability) performed at Invitae indicates that this missense variant is not expected to disrupt TUBB3 protein function with a negative predictive value of 80%. In summary, the available evidence is currently insufficient to determine the role of this variant in disease. Therefore, it has been classified as a Variant of Uncertain Significance.